The following is an entry in ClinVar:

ClinVar aggregate classification (germline): Uncertain significance (1 of 4 stars; one submission).

Conditions:
FLT4-related disorder. Also called: FLT4-related condition.

gnomAD v4.1: 2 of 1,612,290 alleles (0.00012%); highest among the groups gnomAD compares: African/African-American, 0.0027%; no homozygotes.

Submission:

PreventionGenetics, part of Exact Sciences
Classification: Uncertain significance for FLT4-related condition. Last evaluated: 2026-03-26. Review status: criteria provided, single submitter. Criteria: ACMG Guidelines, 2015. Collection method: clinical testing. Allele origin: germline.
Comment: The FLT4 c.2390T>G variant is predicted to result in the amino acid substitution p.Phe797Cys. To our knowledge, this variant has not been reported in the literature or in a large population database (gnomAD), indicating this variant is rare. At this time, the clinical significance of this variant is uncertain due to the absence of conclusive functional and genetic evidence.

NM_182925.5(FLT4):c.2390T>G (p.Phe797Cys)

Genes: FLT4 (fms related receptor tyrosine kinase 4; minus strand), LOC126807632 (CDK7 strongly-dependent group 2 enhancer GRCh37_chr5:180046831-180048030; plus strand). Cytogenetic location: 5q35.3.
Variant type: single nucleotide variant.
Coding change: c.2390T>G on transcript NM_182925.5 (MANE Select); coding-DNA position 2390, T replaced by G.
Protein change: p.Phe797Cys; replaces phenylalanine 797 with cysteine.
Molecular consequence: missense variant.
Genome position (GRCh38, 1-based): chr5:180,620,625, A>C on the plus strand (T>G on the coding strand, the complement: FLT4 is on the minus strand). VCF-style: chr5-180620625-A-C. GRCh37 (hg19) VCF-style: chr5-180047625-A-C.
Other names: c.2390T>G, p.Phe797Cys (NM_001354989.2, NM_002020.5); short protein forms F797C.
Identifiers: ClinVar variation 4985945 (VCV004985945.1).